The following is an entry in ClinVar:

ClinVar aggregate classification (germline): Conflicting classifications of pathogenicity. Review status: criteria provided, conflicting classifications (1 of 4 stars). 8 submissions from 8 submitters: Uncertain significance (4); Likely benign (4). Last evaluated 2026-07-01.

Conditions:
SHOX-related short stature. Also called: SHORT STATURE, IDIOPATHIC, X-LINKED. Identifiers: Orphanet 314795, MedGen C1845118, MONDO:0010367, OMIM 300582. Disease mechanism: loss of function.

Allele frequency attached by ClinVar (database versions not stated): TOPMed 0.00049; gnomAD 0.00026; gnomAD exomes 0.00045 and 0.00088; ESP Exome Variant Server 0.00069; 1000 Genomes Project 30x 0.00042; 1000 Genomes Project 0.00053; ExAC 0.00042.
gnomAD v4.1: 1,344 of 1,613,724 alleles (0.083%); highest among the groups gnomAD compares: Non-Finnish European, 0.11%; no homozygotes.

Submissions (8):

CeGaT Center for Human Genetics Tuebingen
Classification: Likely benign. Last evaluated: 2026-07-01. Review status: criteria provided, single submitter. Criteria: CeGaT Center For Human Genetics Tuebingen Variant Classification Criteria Version 2. Collection method: clinical testing. Allele origin: germline. Affected: yes. Observed: 1 variant allele.
Comment: SHOX: PP3, BS2

GeneDx
Classification: Uncertain significance. Last evaluated: 2025-06-28. Review status: criteria provided, single submitter. Criteria: GeneDx Variant Classification Process June 2021. Collection method: clinical testing. Allele origin: germline. Affected: yes.
Comment: Observed in 2 unrelated patients referred for SHOX gene testing, however family studies showed the variant did not segregate with disease in one family (PMID: 23636926); In silico analysis suggests that this missense variant does not alter protein structure/function; This variant is associated with the following publications: (PMID: 21262861, 34426522, Sobieszczaska-Drodziel[CaseReport], 23636926, 21912078)

Athena Diagnostics
Classification: Likely benign. Last evaluated: 2025-05-13. Review status: criteria provided, single submitter. Criteria: Athena Diagnostics Criteria. Collection method: clinical testing. Allele origin: unknown.
Comment: The frequency of this variant in the general population is higher than would generally be expected for pathogenic variants in this gene.

Women's Health and Genetics/Laboratory Corporation of America, LabCorp
Classification: Likely benign. Last evaluated: 2025-02-24. Review status: criteria provided, single submitter. Criteria: LabCorp Variant Classification Summary - May 2015. Collection method: clinical testing. Allele origin: germline.
Comment: Variant summary: SHOX c.86A>C (p.Lys29Thr) results in a non-conservative amino acid change in the encoded protein sequence. Three of five in-silico tools predict a damaging effect of the variant on protein function. The variant allele was found at a frequency of 0.00045 in 250928 control chromosomes, predominantly at a frequency of 0.00087 within the Non-Finnish European subpopulation in the gnomAD database. The observed variant frequency within Non-Finnish European control individuals in the gnomAD database is approximately 3.5 fold of the estimated maximal expected allele frequency for a pathogenic variant in SHOX causing Leri-Weill Dyschondrosteosis phenotype (0.00025). c.86A>C has been reported in the literature in at least an individual with clinical features of Leri-Weill dyschondrosteosis (example: SalmonMusial_2011). Family studies showed that the variant did not segregate with disease in one family (example: Bunyan_2013). At least one publication reports experimental evidence evaluating an impact on protein function on SHOX-SOX6 interaction (AzaCarmona_2014). The most pronounced variant effect results in about 80% of the WT clones on a Yeast two-hybrid system, which suggest this variant apparently did not affect SHOX-SOX6 interaction. The following publications have been ascertained in the context of this evaluation (PMID: 24421874, 21912078, 23636926). ClinVar contains an entry for this variant (Variation ID: 93095). Based on the evidence outlined above, the variant was classified as likely benign.

Blueprint Genetics
Classification: Likely benign. Last evaluated: 2024-11-21. Review status: criteria provided, single submitter. Criteria: ACMG Guidelines, 2015. Collection method: clinical testing. Allele origin: germline.

Mendelics
Classification: Uncertain significance for SHOX-related short stature. Last evaluated: 2019-05-28. Review status: criteria provided, single submitter. Criteria: Mendelics Assertion Criteria 2017. Collection method: clinical testing. Allele origin: unknown.

Eurofins Ntd Llc (ga)
Classification: Uncertain significance. Last evaluated: 2013-03-06. Review status: criteria provided, single submitter. Criteria: EGL Classification Definitions 2015. Collection method: clinical testing. Allele origin: germline. Observed: 1 variant allele, 1 heterozygote.

Breakthrough Genomics
Classification: Uncertain significance. Review status: criteria provided, single submitter. Criteria: ACMG Guidelines, 2015. Collection method: not provided. Allele origin: germline. Inheritance: Autosomal recessive inheritance. Affected: yes.

Literature cited by the submitters: PubMed 21912078 (cited by Athena Diagnostics and Women's Health and Genetics/Laboratory Corporation of America, LabCorp); PubMed 21262861 (cited by Athena Diagnostics); PubMed 23636926 (cited by Athena Diagnostics and Women's Health and Genetics/Laboratory Corporation of America, LabCorp); PubMed 24421874 (cited by Athena Diagnostics and Women's Health and Genetics/Laboratory Corporation of America, LabCorp); PubMed 34426522 (cited by Athena Diagnostics).

NM_000451.4(SHOX):c.86A>C (p.Lys29Thr)

Gene: SHOX (SHOX homeobox; plus strand). Cytogenetic location: Xp22.33.
Variant type: single nucleotide variant.
Coding change: c.86A>C on transcript NM_000451.4 (MANE Select); coding-DNA position 86, A replaced by C.
Protein change: p.Lys29Thr; replaces lysine 29 with threonine.
Molecular consequence: missense variant.
Genome position (GRCh38, 1-based): chrX:630,983, A>C. VCF-style: chrX-630983-A-C. GRCh37 (hg19) VCF-style: chrX-591718-A-C.
Other names: c.86A>C, p.Lys29Thr (NM_006883.2); short protein forms K29T.
Identifiers: ClinVar variation 93095 (VCV000093095.17), dbSNP rs146304983, ClinGen allele CA220967.
Genomic context (GRCh38, chrX:630,983, plus strand): 5'-CCAAGTCTTTTGACCAGAAAAGCAAGGACGGTAACGGCGGAGGCGGAGGCGGCGGAGGTA[A>C]GAAGGATTCCATTACGTACCGGGAAGTTTTGGAGAGCGGACTGGCGCGCTCCCGGGAGCT-3'
Protein context (NP_000442.1, residues 19-39): GNGGGGGGGG[Lys29Thr]KDSITYREVL